The following is an entry in ClinVar:

ClinVar aggregate classification (germline): Uncertain significance. Review status: criteria provided, multiple submitters, no conflicts (2 of 4 stars). 5 submissions from 5 submitters: Uncertain significance (5). Last evaluated 2025-12-29.

Conditions:
Endometrial carcinoma. Also called: Endometrial carcinoma, somatic. Identifiers: MedGen C0476089, MONDO:0002447, OMIM 608089, HP:0012114.
Hereditary cancer-predisposing syndrome. Also called: Tumor predisposition; Hereditary neoplastic syndrome; Neoplastic Syndromes, Hereditary; Hereditary Cancer Syndrome. Identifiers: Orphanet 140162, MedGen C0027672, MeSH D009386, MONDO:0015356.

Allele frequency attached by ClinVar (database versions not stated): gnomAD exomes below 0.00001 and 0.00001; gnomAD 0.00001; TOPMed 0.00001.
gnomAD v4.1: 10 of 1,507,002 alleles (0.00066%); highest among the groups gnomAD compares: African/African-American, 0.0014%; no homozygotes.

Submissions (5):

Center for Genomic Medicine, Rigshospitalet, Copenhagen University Hospital
Classification: Uncertain significance. Last evaluated: 2025-12-29. Review status: criteria provided, single submitter. Criteria: ACMG Guidelines, 2015. Collection method: clinical testing. Allele origin: germline.

Labcorp Genetics (formerly Invitae), Labcorp
Classification: Uncertain significance. Last evaluated: 2025-12-14. Review status: criteria provided, single submitter. Criteria: Invitae Variant Classification Sherloc (09022015). Collection method: clinical testing. Allele origin: germline.
Comment: This sequence change replaces glutamic acid, which is acidic and polar, with glutamine, which is neutral and polar, at codon 812 of the MSH3 protein (p.Glu812Gln). This variant is present in population databases (no rsID available, gnomAD 0.0009%). This variant has not been reported in the literature in individuals affected with MSH3-related conditions. ClinVar contains an entry for this variant (Variation ID: 664120). An algorithm developed to predict the effect of missense changes on protein structure and function (PolyPhen-2) suggests that this variant is likely to be tolerated. In summary, the available evidence is currently insufficient to determine the role of this variant in disease. Therefore, it has been classified as a Variant of Uncertain Significance.

Quest Diagnostics Nichols Institute San Juan Capistrano
Classification: Uncertain significance. Last evaluated: 2024-10-10. Review status: criteria provided, single submitter. Criteria: Quest Diagnostics criteria. Collection method: clinical testing. Allele origin: unknown.
Comment: The MSH3 c.2434G>C (p.Glu812Gln) variant has not been reported in individuals with MSH3-related conditions in the published literature. The frequency of this variant in the general population, 0.000004 (1/251040 chromosomes (Genome Aggregation Database)), is uninformative in the assessment of its pathogenicity. Analysis of this variant using bioinformatics tools for the prediction of the effect of amino acid changes on protein structure and function yielded predictions that this variant is benign. Based on the available information, we are unable to determine the clinical significance of this variant.

Ambry Genetics
Classification: Uncertain significance for Hereditary cancer-predisposing syndrome. Last evaluated: 2023-11-16. Review status: criteria provided, single submitter. Criteria: Ambry Variant Classification Scheme 2023. Collection method: clinical testing. Allele origin: germline.
Comment: The p.E812Q variant (also known as c.2434G>C), located in coding exon 17 of the MSH3 gene, results from a G to C substitution at nucleotide position 2434. The glutamic acid at codon 812 is replaced by glutamine, an amino acid with highly similar properties. This amino acid position is conserved. In addition, this alteration is predicted to be tolerated by in silico analysis. Since supporting evidence is limited at this time, the clinical significance of this alteration remains unclear.

Baylor Genetics
Classification: Uncertain significance for Endometrial carcinoma. Last evaluated: 2023-08-21. Review status: criteria provided, single submitter. Criteria: ACMG Guidelines, 2015. Collection method: clinical testing. Allele origin: unknown.

NM_002439.5(MSH3):c.2434G>C (p.Glu812Gln)

Gene: MSH3 (mutS homolog 3; plus strand). Cytogenetic location: 5q14.1.
Variant type: single nucleotide variant.
Coding change: c.2434G>C on transcript NM_002439.5 (MANE Select); coding-DNA position 2434, G replaced by C.
Protein change: p.Glu812Gln; replaces glutamic acid 812 with glutamine.
Molecular consequence: missense variant.
Genome position (GRCh38, 1-based): chr5:80,778,835, G>C. VCF-style: chr5-80778835-G-C. GRCh37 (hg19) VCF-style: chr5-80074654-G-C.
Other names: short protein forms E812Q.
Identifiers: ClinVar variation 664120 (VCV000664120.14), dbSNP rs1386308078, ClinGen allele CA360281942.